The following is an entry in ClinVar:

ClinVar aggregate classification (germline): Uncertain significance (1 of 4 stars; one submission).

gnomAD v4.1: 2 of 1,614,256 alleles (0.00012%); highest among the groups gnomAD compares: Non-Finnish European, 0.00017%; no homozygotes.

Submission:

GeneDx
Classification: Uncertain significance. Last evaluated: 2024-12-17. Review status: criteria provided, single submitter. Criteria: GeneDx Variant Classification Process June 2021. Collection method: clinical testing. Allele origin: germline. Affected: yes.
Comment: Not observed at significant frequency in large population cohorts (gnomAD); In silico analysis indicates that this missense variant does not alter protein structure/function; Has not been previously published as pathogenic or benign to our knowledge

NM_001042646.3(TRAK1):c.2387C>T (p.Ser796Phe)

Gene: TRAK1 (trafficking kinesin protein 1; plus strand). Cytogenetic location: 3p22.1.
Variant type: single nucleotide variant.
Coding change: c.2387C>T on transcript NM_001042646.3 (MANE Select); coding-DNA position 2387, C replaced by T.
Protein change: p.Ser796Phe; replaces serine 796 with phenylalanine.
Molecular consequence: missense variant. On other transcripts: 3 prime UTR variant (1), non-coding transcript variant (1).
Genome position (GRCh38, 1-based): chr3:42,223,262, C>T. VCF-style: chr3-42223262-C-T. GRCh37 (hg19) VCF-style: chr3-42264754-C-T.
Other names: c.2012C>T, p.Ser671Phe (NM_001349245.1); c.2324C>T, p.Ser775Phe (NM_001349246.2); c.*341C>T (NM_001349247.2); c.2102C>T, p.Ser701Phe (NM_001349248.1); c.2165C>T, p.Ser722Phe (NM_001349249.1); c.2213C>T, p.Ser738Phe (NM_001410741.1); short protein forms S671F, S701F, S722F, S738F, S775F, S796F.
Identifiers: ClinVar variation 3906771 (VCV003906771.1).